The following is an entry in ClinVar:

NM_173500.4(TTBK2):c.1949C>T (p.Ala650Val)

Gene: TTBK2 (tau tubulin kinase 2; minus strand). Cytogenetic location: 15q15.2.
Variant type: single nucleotide variant.
Coding change: c.1949C>T on transcript NM_173500.4 (MANE Select); coding-DNA position 1949, C replaced by T.
Protein change: p.Ala650Val; replaces alanine 650 with valine.
Molecular consequence: missense variant.
Genome position (GRCh38, 1-based): chr15:42,775,184, G>A on the plus strand (C>T on the coding strand, the complement: TTBK2 is on the minus strand). VCF-style: chr15-42775184-G-A. GRCh37 (hg19) VCF-style: chr15-43067382-G-A.
Other names: short protein forms A650V.
Identifiers: ClinVar variation 586778 (VCV000586778.28), dbSNP rs369045579, ClinGen allele CA7516817.

ClinVar aggregate classification (germline): Conflicting classifications of pathogenicity. Review status: criteria provided, conflicting classifications (1 of 4 stars). 3 submissions from 3 submitters: Uncertain significance (1); Benign (1); Likely benign (1). Last evaluated 2023-02-01.

Allele frequency attached by ClinVar (database versions not stated): gnomAD exomes 0.00003 and 0.00005; ExAC 0.00005; ESP Exome Variant Server 0.00008; gnomAD 0.00025 and 0.00028; TOPMed 0.00026.
gnomAD v4.1: 85 of 1,614,002 alleles (0.0053%); highest among the groups gnomAD compares: African/African-American, 0.073%; no homozygotes.

Submissions (3):

CeGaT Center for Human Genetics Tuebingen
Classification: Likely benign. Last evaluated: 2023-02-01. Review status: criteria provided, single submitter. Criteria: CeGaT Center For Human Genetics Tuebingen Variant Classification Criteria Version 2. Collection method: clinical testing. Allele origin: germline. Affected: yes. Observed: 1 variant allele.
Comment: TTBK2: BP4

Labcorp Genetics (formerly Invitae), Labcorp
Classification: Uncertain significance. Last evaluated: 2022-11-28. Review status: criteria provided, single submitter. Criteria: Invitae Variant Classification Sherloc (09022015). Collection method: clinical testing. Allele origin: germline.
Comment: In summary, the available evidence is currently insufficient to determine the role of this variant in disease. Therefore, it has been classified as a Variant of Uncertain Significance. Algorithms developed to predict the effect of missense changes on protein structure and function output the following: SIFT: "Tolerated"; PolyPhen-2: "Benign"; Align-GVGD: "Class C0". The valine amino acid residue is found in multiple mammalian species, which suggests that this missense change does not adversely affect protein function. ClinVar contains an entry for this variant (Variation ID: 586778). This variant has not been reported in the literature in individuals affected with TTBK2-related conditions. This variant is present in population databases (rs369045579, gnomAD 0.05%), and has an allele count higher than expected for a pathogenic variant. This sequence change replaces alanine, which is neutral and non-polar, with valine, which is neutral and non-polar, at codon 650 of the TTBK2 protein (p.Ala650Val).

Athena Diagnostics
Classification: Benign. Last evaluated: 2018-03-19. Review status: criteria provided, single submitter. Criteria: Athena Diagnostics Criteria. Collection method: clinical testing. Allele origin: germline.